The following is an entry in ClinVar:

ClinVar aggregate classification (germline): Conflicting classifications of pathogenicity. Review status: criteria provided, conflicting classifications (1 of 4 stars). 2 submissions from 2 submitters: Uncertain significance (1); Likely benign (1). Last evaluated 2023-06-01.

Conditions:
Fanconi anemia complementation group J. Also called: BRIP1-Related Fanconi Anemia. Identifiers: Orphanet 84, MedGen C1836860, MONDO:0012187, OMIM 609054.

Allele frequency attached by ClinVar (database versions not stated): 1000 Genomes Project 30x 0.00141; 1000 Genomes Project 0.00160; TOPMed 0.00308; gnomAD 0.00350 and 0.00356.
gnomAD v4.1: 527 of 152,362 alleles (0.35%); highest among the groups gnomAD compares: Non-Finnish European, 0.61%; 3 homozygotes.

Submissions (2):

CeGaT Center for Human Genetics Tuebingen
Classification: Likely benign. Last evaluated: 2023-06-01. Review status: criteria provided, single submitter. Criteria: CeGaT Center For Human Genetics Tuebingen Variant Classification Criteria Version 2. Collection method: clinical testing. Allele origin: germline. Affected: yes. Observed: 2 variant alleles.
Comment: BRIP1: BS2

Illumina Laboratory Services, Illumina
Classification: Uncertain significance for Fanconi anemia complementation group J. Last evaluated: 2018-01-12. Review status: criteria provided, single submitter. Criteria: ICSL Variant Classification Criteria 13 December 2019. Collection method: clinical testing. Allele origin: germline.

NM_032043.3(BRIP1):c.*4040T>A

Gene: BRIP1 (BRCA1 interacting DNA helicase 1; minus strand). Cytogenetic location: 17q23.2.
Variant type: single nucleotide variant.
Coding change: c.*4040T>A on transcript NM_032043.3 (MANE Select); 4040 bases downstream of the stop codon, T replaced by A.
Molecular consequence: 3 prime UTR variant.
Genome position (GRCh38, 1-based): chr17:61,679,256, A>T on the plus strand (T>A on the coding strand, the complement: BRIP1 is on the minus strand). VCF-style: chr17-61679256-A-T. GRCh37 (hg19) VCF-style: chr17-59756617-A-T.
Identifiers: ClinVar variation 891958 (VCV000891958.28), dbSNP rs111580456, ClinGen allele CA292265725.